The following is an entry in ClinVar:

NM_058216.3(RAD51C):c.453G>A (p.Val151=)

Gene: RAD51C (RAD51 paralog C; plus strand). Cytogenetic location: 17q22.
Variant type: single nucleotide variant.
Coding change: c.453G>A on transcript NM_058216.3 (MANE Select); coding-DNA position 453, G replaced by A.
Protein change: p.Val151=; no amino-acid change (valine 151 retained).
Molecular consequence: synonymous variant.
Genome position (GRCh38, 1-based): chr17:58,696,741, G>A. VCF-style: chr17-58696741-G-A. GRCh37 (hg19) VCF-style: chr17-56774102-G-A.
Other names: c.453G>A (LRG_314t1).
Identifiers: ClinVar variation 378971 (VCV000378971.28), dbSNP rs45553636, ClinGen allele CA8677229.

ClinVar aggregate classification (germline): Benign/Likely benign. Review status: criteria provided, multiple submitters, no conflicts (2 of 4 stars). 8 submissions from 8 submitters: Benign (1); Likely benign (7). Last evaluated 2026-01-19.

Conditions:
Fanconi anemia complementation group O. Also called: RAD51C-Related Fanconi Anemia. Identifiers: Orphanet 84, MedGen C3150653, MONDO:0013248, OMIM 613390.
Breast-ovarian cancer, familial, susceptibility to, 3. Also called: RAD51C-Related Breast/Ovarian Cancer. Identifiers: Orphanet 145, MedGen C3150659, MONDO:0013253, OMIM 613399.
Hereditary cancer-predisposing syndrome. Also called: Tumor predisposition; Hereditary Cancer Syndrome; Hereditary neoplastic syndrome; Neoplastic Syndromes, Hereditary. Identifiers: Orphanet 140162, MedGen C0027672, MeSH D009386, MONDO:0015356.

Allele frequency attached by ClinVar (database versions not stated): gnomAD exomes below 0.00001 and 0.00002; TOPMed 0.00001; ExAC 0.00002.
gnomAD v4.1: 7 of 1,614,194 alleles (0.00043%); highest among the groups gnomAD compares: Admixed American, 0.01%; no homozygotes.

Submissions (8):

Labcorp Genetics (formerly Invitae), Labcorp
Classification: Likely benign for Fanconi anemia complementation group O. Last evaluated: 2026-01-19. Review status: criteria provided, single submitter. Criteria: Invitae Variant Classification Sherloc (09022015). Collection method: clinical testing. Allele origin: germline.

CeGaT Center for Human Genetics Tuebingen
Classification: Likely benign. Last evaluated: 2025-12-01. Review status: criteria provided, single submitter. Criteria: CeGaT Center For Human Genetics Tuebingen Variant Classification Criteria Version 2. Collection method: clinical testing. Allele origin: germline. Affected: yes. Observed: 1 variant allele.
Comment: RAD51C: BP4, BP7

Myriad Genetics, Inc.
Classification: Benign for Breast-ovarian cancer, familial, susceptibility to, 3. Last evaluated: 2025-02-18. Review status: criteria provided, single submitter. Criteria: Myriad Autosomal Dominant, Autosomal Recessive and X-Linked Classification Criteria (2023). Collection method: clinical testing. Allele origin: unknown.
Comment: This variant is considered benign. This variant is a silent/synonymous amino acid change and it is not expected to impact splicing.

GeneDx
Classification: Likely benign. Last evaluated: 2020-01-25. Review status: criteria provided, single submitter. Criteria: GeneDx Variant Classification Process June 2021. Collection method: clinical testing. Allele origin: germline. Affected: yes.
Comment: This variant is associated with the following publications: (PMID: 21537932)

Women's Health and Genetics/Laboratory Corporation of America, LabCorp
Classification: Likely benign. Last evaluated: 2019-08-29. Review status: criteria provided, single submitter. Criteria: LabCorp Variant Classification Summary - May 2015. Collection method: clinical testing. Allele origin: germline.

PreventionGenetics, part of Exact Sciences
Classification: Likely benign. Last evaluated: 2017-10-11. Review status: criteria provided, single submitter. Criteria: ACMG Guidelines, 2015. Collection method: clinical testing. Allele origin: germline.

Ambry Genetics
Classification: Likely benign for Hereditary cancer-predisposing syndrome. Last evaluated: 2017-04-13. Review status: criteria provided, single submitter. Criteria: Ambry Variant Classification Scheme 2023. Collection method: clinical testing. Allele origin: germline.

Color Diagnostics, LLC DBA Color Health
Classification: Likely benign for Hereditary cancer-predisposing syndrome. Last evaluated: 2017-01-24. Review status: criteria provided, single submitter. Criteria: ACMG Guidelines, 2015. Collection method: clinical testing. Allele origin: germline.